The following is an entry in ClinVar:

ClinVar aggregate classification (germline): Uncertain significance (1 of 4 stars; one submission).

Conditions:
Cardiovascular phenotype. Identifiers: MedGen CN230736.

Submission:

Ambry Genetics
Classification: Uncertain significance for Cardiovascular phenotype. Last evaluated: 2024-09-24. Review status: criteria provided, single submitter. Criteria: Ambry Variant Classification Scheme 2023. Collection method: clinical testing. Allele origin: germline.
Comment: The p.A966S variant (also known as c.2896G>T), located in coding exon 21 of the DSP gene, results from a G to T substitution at nucleotide position 2896. The alanine at codon 966 is replaced by serine, an amino acid with similar properties. This amino acid position is conserved. In addition, the in silico prediction for this alteration is inconclusive. Based on the available evidence, the clinical significance of this variant remains unclear.

NM_004415.4(DSP):c.2896G>T (p.Ala966Ser)

Gene: DSP (desmoplakin; plus strand). Cytogenetic location: 6p24.3.
Variant type: single nucleotide variant.
Coding change: c.2896G>T on transcript NM_004415.4 (MANE Select); coding-DNA position 2896, G replaced by T.
Protein change: p.Ala966Ser; replaces alanine 966 with serine.
Molecular consequence: missense variant.
Genome position (GRCh38, 1-based): chr6:7,577,797, G>T. VCF-style: chr6-7577797-G-T. GRCh37 (hg19) VCF-style: chr6-7578030-G-T.
Other names: c.2896G>T, p.Ala966Ser (NM_001008844.3, NM_001319034.2); short protein forms A966S.
Identifiers: ClinVar variation 3505496 (VCV003505496.1).